The following is an entry in ClinVar:

ClinVar aggregate classification (germline): Uncertain significance. Review status: criteria provided, multiple submitters, no conflicts (2 of 4 stars). 2 submissions from 2 submitters: Uncertain significance (2). Last evaluated 2025-04-17.

Conditions:
Inborn genetic diseases. Identifiers: MedGen C0950123, MeSH D030342.

gnomAD v4.1: 3 of 1,613,376 alleles (0.00019%); highest among the groups gnomAD compares: East Asian, 0.0022%; no homozygotes.

Submissions (2):

Ambry Genetics
Classification: Uncertain significance for Inborn genetic diseases. Last evaluated: 2025-04-17. Review status: criteria provided, single submitter. Criteria: Ambry Variant Classification Scheme 2023. Collection method: clinical testing. Allele origin: germline.
Comment: The p.K717N variant (also known as c.2151G>T), located in coding exon 1 of the SAMD9L gene, results from a G to T substitution at nucleotide position 2151. The lysine at codon 717 is replaced by asparagine, an amino acid with similar properties. This amino acid position is conserved. In addition, this alteration is predicted to be tolerated by in silico analysis. Based on the available evidence, the clinical significance of this variant remains unclear.

Labcorp Genetics (formerly Invitae), Labcorp
Classification: Uncertain significance. Last evaluated: 2024-11-18. Review status: criteria provided, single submitter. Criteria: Invitae Variant Classification Sherloc (09022015). Collection method: clinical testing. Allele origin: germline.
Comment: This sequence change replaces lysine, which is basic and polar, with asparagine, which is neutral and polar, at codon 717 of the SAMD9L protein (p.Lys717Asn). This variant is present in population databases (no rsID available, gnomAD 0.006%). This variant has not been reported in the literature in individuals affected with SAMD9L-related conditions. ClinVar contains an entry for this variant (Variation ID: 1945768). Invitae Evidence Modeling of protein sequence and biophysical properties (such as structural, functional, and spatial information, amino acid conservation, physicochemical variation, residue mobility, and thermodynamic stability) indicates that this missense variant is not expected to disrupt SAMD9L protein function with a negative predictive value of 80%. In summary, the available evidence is currently insufficient to determine the role of this variant in disease. Therefore, it has been classified as a Variant of Uncertain Significance.

NM_152703.5(SAMD9L):c.2151G>T (p.Lys717Asn)

Gene: SAMD9L (sterile alpha motif domain containing 9 like; minus strand). Cytogenetic location: 7q21.2.
Variant type: single nucleotide variant.
Coding change: c.2151G>T on transcript NM_152703.5 (MANE Select); coding-DNA position 2151, G replaced by T.
Protein change: p.Lys717Asn; replaces lysine 717 with asparagine.
Molecular consequence: missense variant.
Genome position (GRCh38, 1-based): chr7:93,133,821, C>A on the plus strand (G>T on the coding strand, the complement: SAMD9L is on the minus strand). VCF-style: chr7-93133821-C-A. GRCh37 (hg19) VCF-style: chr7-92763134-C-A.
Other names: c.2151G>T (NM_152703.2); c.2151G>T, p.Lys717Asn (NM_001303496.3, NM_001303497.3, NM_001303498.3 and 5 more transcripts); short protein forms K717N.
Identifiers: ClinVar variation 1945768 (VCV001945768.6), dbSNP rs1423368075, ClinGen allele CA368192582.